The following is an entry in ClinVar:

NM_000264.5(PTCH1):c.1625A>G (p.Lys542Arg)

Gene: PTCH1 (patched 1; minus strand). Cytogenetic location: 9q22.32.
Variant type: single nucleotide variant.
Coding change: c.1625A>G on transcript NM_000264.5 (MANE Select); coding-DNA position 1625, A replaced by G.
Protein change: p.Lys542Arg; replaces lysine 542 with arginine.
Molecular consequence: missense variant. On other transcripts: non-coding transcript variant (1).
Genome position (GRCh38, 1-based): chr9:95,476,137, T>C on the plus strand (A>G on the coding strand, the complement: PTCH1 is on the minus strand). VCF-style: chr9-95476137-T-C. GRCh37 (hg19) VCF-style: chr9-98238419-T-C.
Other names: c.1427A>G, p.Lys476Arg (NM_001083602.3); c.1622A>G, p.Lys541Arg (NM_001083603.3); c.1172A>G, p.Lys391Arg (NM_001083604.3, NM_001083605.3, NM_001083606.3 and 1 more transcripts); c.1469A>G, p.Lys490Arg (NM_001354918.2); c.1625A>G (NM_000264.3); short protein forms K542R, K476R, K490R, K391R, K541R.
Identifiers: ClinVar variation 644449 (VCV000644449.12), dbSNP rs758673714, ClinGen allele CA5138599.
Genomic context (GRCh38, chr9:95,476,137, plus strand): 5'-GCCATGAAGAAGGCTGTGACATTGCTGATGGACGTGAGGGCCACGCTGGCTCCTGTGCGC[T>C]TCAGGCACTCCCCGGTCCTGTCCTGGGAATAAAAAAACACAGCGCTGAGAGCTGCACTGG-3'
Protein context (NP_000255.2, residues 532-552): PFEDRTGECL[Lys542Arg]RTGASVALTS

ClinVar aggregate classification (germline): Conflicting classifications of pathogenicity. Review status: criteria provided, conflicting classifications (1 of 4 stars). 2 submissions from 2 submitters: Uncertain significance (1); Benign (1). Last evaluated 2025-08-14.

Conditions:
Gorlin syndrome. Also called: Basal cell nevus syndrome; Nevoid Basal Cell Carcinoma Syndrome. Identifiers: Orphanet 377, MedGen C0004779, MONDO:0007187.
Hereditary cancer-predisposing syndrome. Also called: Neoplastic Syndromes, Hereditary; Hereditary Cancer Syndrome; Hereditary neoplastic syndrome; Tumor predisposition. Identifiers: Orphanet 140162, MedGen C0027672, MeSH D009386, MONDO:0015356.

Allele frequency attached by ClinVar (database versions not stated): gnomAD exomes 0.00001; ExAC 0.00001; TOPMed 0.00001.
gnomAD v4.1: 3 of 1,613,212 alleles (0.00019%); highest among the groups gnomAD compares: Admixed American, 0.005%; no homozygotes.

Submissions (2):

Ambry Genetics
Classification: Uncertain significance for Hereditary cancer-predisposing syndrome. Last evaluated: 2025-08-14. Review status: criteria provided, single submitter. Criteria: Ambry Variant Classification Scheme 2023. Collection method: clinical testing. Allele origin: germline.
Comment: The p.K542R variant (also known as c.1625A>G), located in coding exon 12 of the PTCH1 gene, results from an A to G substitution at nucleotide position 1625. The lysine at codon 542 is replaced by arginine, an amino acid with highly similar properties. This amino acid position is conserved. In addition, the in silico prediction for this alteration is inconclusive. Since supporting evidence is limited at this time, the clinical significance of this alteration remains unclear.

Labcorp Genetics (formerly Invitae), Labcorp
Classification: Benign for Gorlin syndrome. Last evaluated: 2024-12-24. Review status: criteria provided, single submitter. Criteria: Invitae Variant Classification Sherloc (09022015). Collection method: clinical testing. Allele origin: germline.